The following is an entry in ClinVar:

NM_000080.4(CHRNE):c.140A>T (p.Asp47Val)

Genes: C17orf107 (chromosome 17 open reading frame 107; plus strand), CHRNE (cholinergic receptor nicotinic epsilon subunit; minus strand). Cytogenetic location: 17p13.2.
Variant type: single nucleotide variant.
Coding change: c.140A>T on transcript NM_000080.4 (MANE Select); coding-DNA position 140, A replaced by T.
Protein change: p.Asp47Val; replaces aspartic acid 47 with valine.
Molecular consequence: missense variant. On other transcripts: 3 prime UTR variant (1).
Genome position (GRCh38, 1-based): chr17:4,902,670, T>A on the plus strand (A>T on the coding strand, the complement: CHRNE is on the minus strand). VCF-style: chr17-4902670-T-A. GRCh37 (hg19) VCF-style: chr17-4805965-T-A.
Other names: c.*2137T>A (NM_001145536.2); short protein forms D47V.
Identifiers: ClinVar variation 3702387 (VCV003702387.2).
Genomic context (GRCh38, chr17:4,902,670, plus strand): 5'-GGGTAGCTTACCAGTGAGATGAGATTCGTCAGGGTGACCTTGAGGCTGATGGTGACAGTA[T>A]CCTCAGGCTCCCGCACTGGCCGGCTTCCTGGGTCATAGTTGTTGAAGAGATGGTGATAAA-3'
Protein context (NP_000071.1, residues 37-57): PGSRPVREPE[Asp47Val]TVTISLKVTL

ClinVar aggregate classification (germline): Uncertain significance (1 of 4 stars; one submission).

Conditions:
Congenital myasthenic syndrome 4A. Also called: Myasthenic syndrome, congenital, 4a, slow-channel; MYASTHENIC SYNDROME, CONGENITAL, 4A, SLOW-CHANNEL, AUTOSOMAL RECESSIVE; CONGENITAL MYASTHENIC SYNDROME TYPE Ia1. Identifiers: Orphanet 590, MedGen C4225413, MONDO:0011600, OMIM 605809.

gnomAD v4.1: 2 of 1,613,806 alleles (0.00012%); highest among the groups gnomAD compares: East Asian, 0.0022%; no homozygotes.

Submission:

Labcorp Genetics (formerly Invitae), Labcorp
Classification: Uncertain significance for Congenital myasthenic syndrome 4A. Last evaluated: 2024-05-26. Review status: criteria provided, single submitter. Criteria: Invitae Variant Classification Sherloc (09022015). Collection method: clinical testing. Allele origin: germline.
Comment: This sequence change replaces aspartic acid, which is acidic and polar, with valine, which is neutral and non-polar, at codon 47 of the CHRNE protein (p.Asp47Val). This variant is present in population databases (rs753272609, gnomAD 0.02%). This variant has not been reported in the literature in individuals affected with CHRNE-related conditions. Advanced modeling of protein sequence and biophysical properties (such as structural, functional, and spatial information, amino acid conservation, physicochemical variation, residue mobility, and thermodynamic stability) has been performed at Invitae for this missense variant, however the output from this modeling did not meet the statistical confidence thresholds required to predict the impact of this variant on CHRNE protein function. In summary, the available evidence is currently insufficient to determine the role of this variant in disease. Therefore, it has been classified as a Variant of Uncertain Significance.